The following is an entry in ClinVar:

ClinVar aggregate classification (germline): Benign (0 of 4 stars; one submission).

Conditions:
NCOR2-related disorder. Also called: NCOR2-related condition.

Allele frequency attached by ClinVar (database versions not stated): 1000 Genomes Project 30x 0.53482; 1000 Genomes Project 0.53994; TOPMed 0.61986; gnomAD 0.62947; ExAC 0.64063.
gnomAD v4.1: 1,049,120 of 1,536,312 alleles (68%); highest among the groups gnomAD compares: Middle Eastern, 73%; 363,074 homozygotes.

Submission:

PreventionGenetics, part of Exact Sciences
Classification: Benign for NCOR2-related condition. Last evaluated: 2019-10-17. Review status: no assertion criteria provided. Collection method: clinical testing. Allele origin: germline.
Comment: This variant is classified as benign based on ACMG/AMP sequence variant interpretation guidelines (Richards et al. 2015 PMID: 25741868, with internal and published modifications).

NM_006312.6(NCOR2):c.4602T>C (p.Gly1534=)

Gene: NCOR2 (nuclear receptor corepressor 2; minus strand). Cytogenetic location: 12q24.31.
Variant type: single nucleotide variant.
Coding change: c.4602T>C on transcript NM_006312.6 (MANE Select); coding-DNA position 4602, T replaced by C.
Protein change: p.Gly1534=; no amino-acid change (glycine 1534 retained).
Molecular consequence: synonymous variant.
Genome position (GRCh38, 1-based): chr12:124,344,709, A>G on the plus strand (T>C on the coding strand, the complement: NCOR2 is on the minus strand). VCF-style: chr12-124344709-A-G. GRCh37 (hg19) VCF-style: chr12-124829255-A-G.
Other names: c.4572T>C, p.Gly1524= (NM_001077261.4, NM_001206654.2).
Identifiers: ClinVar variation 3060007 (VCV003060007.2), dbSNP rs1244085, ClinGen allele CA6868225.
Genomic context (GRCh38, chr12:124,344,709, plus strand): 5'-GAGGTGGCCGGCAAAGGGTGCCCCGTGGTCCTCATAGGTCAGGGGGCTCTGCCGCGGCTT[A>G]CCCAGCTCAGGCACAATGACCGGGGCGCCGCGCGCAATGGAGCCCCCCGAGCTGCTGGCG-3'
Protein context (NP_006303.4, residues 1524-1544): RGAPVIVPEL[Gly1534=]KPRQSPLTYE